The following is an entry in ClinVar:

ClinVar aggregate classification (germline): Uncertain significance (1 of 4 stars; one submission).

Submission:

Labcorp Genetics (formerly Invitae), Labcorp
Classification: Uncertain significance. Last evaluated: 2025-04-07. Review status: criteria provided, single submitter. Criteria: Invitae Variant Classification Sherloc (09022015). Collection method: clinical testing. Allele origin: germline.
Comment: This sequence change replaces threonine, which is neutral and polar, with proline, which is neutral and non-polar, at codon 16 of the CTDP1 protein (p.Thr16Pro). This variant is not present in population databases (gnomAD no frequency). This variant has not been reported in the literature in individuals affected with CTDP1-related conditions. ClinVar contains an entry for this variant (Variation ID: 2102006). An algorithm developed to predict the effect of missense changes on protein structure and function outputs the following: PolyPhen-2: "Benign". The proline amino acid residue is found in multiple mammalian species, which suggests that this missense change does not adversely affect protein function. In summary, the available evidence is currently insufficient to determine the role of this variant in disease. Therefore, it has been classified as a Variant of Uncertain Significance.

NM_004715.5(CTDP1):c.46A>C (p.Thr16Pro)

Gene: CTDP1 (CTD phosphatase subunit 1; plus strand). Cytogenetic location: 18q23.
Variant type: single nucleotide variant.
Coding change: c.46A>C on transcript NM_004715.5 (MANE Select); coding-DNA position 46, A replaced by C.
Protein change: p.Thr16Pro; replaces threonine 16 with proline.
Molecular consequence: missense variant.
Genome position (GRCh38, 1-based): chr18:79,679,993, A>C. VCF-style: chr18-79679993-A-C. GRCh37 (hg19) VCF-style: chr18-77439993-A-C.
Other names: c.46A>C, p.Thr16Pro (NM_001318511.2, NM_048368.4); short protein forms T16P.
Identifiers: ClinVar variation 2102006 (VCV002102006.4), dbSNP rs2511986880, ClinGen allele CA402824845.